The following is an entry in ClinVar:

ClinVar aggregate classification (germline): Pathogenic (1 of 4 stars; one submission).

Submission:

GeneDx
Classification: Pathogenic. Last evaluated: 2024-12-17. Review status: criteria provided, single submitter. Criteria: GeneDx Variant Classification Process June 2021. Collection method: clinical testing. Allele origin: germline. Affected: yes.
Comment: Canonical splice site variant predicted to result in a null allele in a gene for which loss of function is a known mechanism of disease; Not observed at significant frequency in large population cohorts (gnomAD); This variant is associated with the following publications: (PMID: 38113297)

NM_022114.4(PRDM16):c.676+2T>C

Gene: PRDM16 (PR/SET domain 16; plus strand). Cytogenetic location: 1p36.32.
Variant type: single nucleotide variant.
Coding change: c.676+2T>C on transcript NM_022114.4 (MANE Select); the canonical splice donor site of the intron after coding-DNA position 676, T replaced by C.
Molecular consequence: splice donor variant.
Genome position (GRCh38, 1-based): chr1:3,396,595, T>C. VCF-style: chr1-3396595-T-C. GRCh37 (hg19) VCF-style: chr1-3313159-T-C.
Other names: c.676+2T>C (NM_199454.3).
Identifiers: ClinVar variation 3906534 (VCV003906534.1).